The following is an entry in ClinVar:

ClinVar aggregate classification (germline): Likely pathogenic (1 of 4 stars; one submission).

Conditions:
Intellectual developmental disorder with or without epilepsy or cerebellar ataxia. Identifiers: MedGen C4748041, MONDO:0060745, OMIM 618060.

Submission:

MVZ Medizinische Genetik Mainz
Classification: Likely pathogenic for Intellectual developmental disorder with or without epilepsy or cerebellar ataxia. Last evaluated: 2023-07-17. Review status: criteria provided, single submitter. Criteria: UK Practice Guidelines For Variant Classification V4 01 2020. Collection method: clinical testing. Allele origin: germline. Inheritance: Autosomal dominant inheritance. Affected: yes. Observed: 1 variant allele.
Comment: ACMG Criteria: PVS1, PM2_SUP (ACMG Version 4)

NM_134261.3(RORA):c.1345del (p.Ile449fs)

Genes: RORA (RAR related orphan receptor A; minus strand), RORA-AS1 (RORA antisense RNA 1; plus strand). Cytogenetic location: 15q22.2.
Variant type: Deletion.
Coding change: c.1345del on transcript NM_134261.3 (MANE Select); coding-DNA position 1345, one base deleted (A; older notation c.1345delA).
Protein change: p.Ile449fs; shifts the reading frame from isoleucine 449.
Molecular consequence: frameshift variant.
Genome position (GRCh38, 1-based): chr15:60,499,954, T deleted on the plus strand (A on the coding strand, the reverse complement: RORA is on the minus strand); the first of 4 consecutive T bases (chr15:60,499,954-60,499,957); deleting any one gives the same sequence. VCF-style (leftmost placement, unchanged base first): chr15-60499953-AT-A. GRCh37 (hg19) VCF-style: chr15-60792152-AT-A.
Other names: c.1420del, p.Ile474fs (NM_002943.4); c.1444del, p.Ile482fs (NM_134260.3); c.1180del, p.Ile394fs (NM_134262.3); short protein forms I394fs, I449fs, I474fs, I482fs.
Identifiers: ClinVar variation 3236192 (VCV003236192.1), dbSNP rs2541965807, ClinGen allele CA2825002291.